The following is an entry in ClinVar:

NM_020461.4(TUBGCP6):c.812A>G (p.Gln271Arg)

Gene: TUBGCP6 (tubulin gamma complex component 6; minus strand). Cytogenetic location: 22q13.33.
Variant type: single nucleotide variant.
Coding change: c.812A>G on transcript NM_020461.4 (MANE Select); coding-DNA position 812, A replaced by G.
Protein change: p.Gln271Arg; replaces glutamine 271 with arginine.
Molecular consequence: missense variant.
Genome position (GRCh38, 1-based): chr22:50,240,297, T>C on the plus strand (A>G on the coding strand, the complement: TUBGCP6 is on the minus strand). VCF-style: chr22-50240297-T-C. GRCh37 (hg19) VCF-style: chr22-50678726-T-C.
Other names: short protein forms Q271R.
Identifiers: ClinVar variation 1476656 (VCV001476656.3), dbSNP rs1432991306, ClinGen allele CA412112179.

ClinVar aggregate classification (germline): Uncertain significance (1 of 4 stars; one submission).

Allele frequency attached by ClinVar (database versions not stated): gnomAD exomes below 0.00001; gnomAD 0.00001; TOPMed 0.00001.
gnomAD v4.1: 7 of 1,613,898 alleles (0.00043%); highest among the groups gnomAD compares: Non-Finnish European, 0.00059%; no homozygotes.

Submission:

Labcorp Genetics (formerly Invitae), Labcorp
Classification: Uncertain significance. Last evaluated: 2022-03-19. Review status: criteria provided, single submitter. Criteria: Invitae Variant Classification Sherloc (09022015). Collection method: clinical testing. Allele origin: germline.
Comment: This sequence change replaces glutamine, which is neutral and polar, with arginine, which is basic and polar, at codon 271 of the TUBGCP6 protein (p.Gln271Arg). This variant is not present in population databases (gnomAD no frequency). This variant has not been reported in the literature in individuals affected with TUBGCP6-related conditions. Algorithms developed to predict the effect of missense changes on protein structure and function are either unavailable or do not agree on the potential impact of this missense change (SIFT: "Deleterious"; PolyPhen-2: "Probably Damaging"; Align-GVGD: "Class C0"). In summary, the available evidence is currently insufficient to determine the role of this variant in disease. Therefore, it has been classified as a Variant of Uncertain Significance.